The following is an entry in ClinVar:

ClinVar aggregate classification (germline): Uncertain significance. Review status: criteria provided, multiple submitters, no conflicts (2 of 4 stars). 2 submissions from 2 submitters: Uncertain significance (2). Last evaluated 2025-12-08.

Conditions:
Cardiovascular phenotype. Identifiers: MedGen CN230736.

gnomAD v4.1: 1 of 1,614,226 alleles (0.000062%); highest among the groups gnomAD compares: South Asian, 0.0011%; no homozygotes.

Submissions (2):

Labcorp Genetics (formerly Invitae), Labcorp
Classification: Uncertain significance. Last evaluated: 2025-12-08. Review status: criteria provided, single submitter. Criteria: Invitae Variant Classification Sherloc (09022015). Collection method: clinical testing. Allele origin: germline.
Comment: This sequence change replaces threonine, which is neutral and polar, with asparagine, which is neutral and polar, at codon 283 of the ALPK3 protein (p.Thr283Asn). This variant is not present in population databases (gnomAD no frequency). This variant has not been reported in the literature in individuals affected with ALPK3-related conditions. ClinVar contains an entry for this variant (Variation ID: 2255233). An algorithm developed to predict the effect of missense changes on protein structure and function (PolyPhen-2) suggests that this variant is likely to be disruptive. In summary, the available evidence is currently insufficient to determine the role of this variant in disease. Therefore, it has been classified as a Variant of Uncertain Significance.

Ambry Genetics
Classification: Uncertain significance for Cardiovascular phenotype. Last evaluated: 2025-11-16. Review status: criteria provided, single submitter. Criteria: Ambry Variant Classification Scheme 2023. Collection method: clinical testing. Allele origin: germline.
Comment: The p.T283N variant (also known as c.848C>A), located in coding exon 3 of the ALPK3 gene, results from a C to A substitution at nucleotide position 848. The threonine at codon 283 is replaced by asparagine, an amino acid with similar properties. This amino acid position is conserved. In addition, this alteration is predicted to be tolerated by in silico analysis. Based on the available evidence, the clinical significance of this variant remains unclear.

NM_020778.5(ALPK3):c.242C>A (p.Thr81Asn)

Gene: ALPK3 (alpha kinase 3; plus strand). Cytogenetic location: 15q25.3.
Variant type: single nucleotide variant.
Coding change: c.242C>A on transcript NM_020778.5 (MANE Select); coding-DNA position 242, C replaced by A.
Protein change: p.Thr81Asn; replaces threonine 81 with asparagine.
Molecular consequence: missense variant.
Genome position (GRCh38, 1-based): chr15:84,827,543, C>A. VCF-style: chr15-84827543-C-A. GRCh37 (hg19) VCF-style: chr15-85370774-C-A.
Other names: short protein forms T81N.
Identifiers: ClinVar variation 2255233 (VCV002255233.4), dbSNP rs200384082, ClinGen allele CA393370883.